The following is an entry in ClinVar:

NM_004984.4(KIF5A):c.1740C>T (p.Ile580=)

Gene: KIF5A (kinesin family member 5A; plus strand). Cytogenetic location: 12q13.3.
Variant type: single nucleotide variant.
Coding change: c.1740C>T on transcript NM_004984.4 (MANE Select); coding-DNA position 1740, C replaced by T.
Protein change: p.Ile580=; no amino-acid change (isoleucine 580 retained).
Molecular consequence: synonymous variant.
Genome position (GRCh38, 1-based): chr12:57,575,107, C>T. VCF-style: chr12-57575107-C-T. GRCh37 (hg19) VCF-style: chr12-57968890-C-T.
Other names: c.1473C>T, p.Ile491= (NM_001354705.2).
Identifiers: ClinVar variation 1111131 (VCV001111131.32), dbSNP rs149622711, ClinGen allele CA237786621.

ClinVar aggregate classification (germline): Likely benign. Review status: criteria provided, multiple submitters, no conflicts (2 of 4 stars). 2 submissions from 2 submitters: Likely benign (2). Last evaluated 2026-01-27.

Conditions:
Spastic paraplegia. Identifiers: MedGen C0037772, HP:0001258.

Allele frequency attached by ClinVar (database versions not stated): gnomAD exomes 0.00001; TOPMed 0.00005; gnomAD 0.00007 and 0.00008; ESP Exome Variant Server 0.00008.
gnomAD v4.1: 22 of 1,613,896 alleles (0.0014%); highest among the groups gnomAD compares: African/African-American, 0.02%; no homozygotes.

Submissions (2):

Labcorp Genetics (formerly Invitae), Labcorp
Classification: Likely benign for Spastic paraplegia. Last evaluated: 2026-01-27. Review status: criteria provided, single submitter. Criteria: Invitae Variant Classification Sherloc (09022015). Collection method: clinical testing. Allele origin: germline.

CeGaT Center for Human Genetics Tuebingen
Classification: Likely benign. Last evaluated: 2023-04-01. Review status: criteria provided, single submitter. Criteria: CeGaT Center For Human Genetics Tuebingen Variant Classification Criteria Version 2. Collection method: clinical testing. Allele origin: germline. Affected: yes. Observed: 1 variant allele.
Comment: KIF5A: BP4, BP7